The following is an entry in ClinVar:

ClinVar aggregate classification (germline): Uncertain significance (1 of 4 stars; one submission).

gnomAD v4.1: 1 of 1,503,420 alleles (0.000067%); highest among the groups gnomAD compares: Non-Finnish European, 0.000088%; no homozygotes.

Submission:

Labcorp Genetics (formerly Invitae), Labcorp
Classification: Uncertain significance. Last evaluated: 2025-11-23. Review status: criteria provided, single submitter. Criteria: Invitae Variant Classification Sherloc (09022015). Collection method: clinical testing. Allele origin: germline.
Comment: This sequence change replaces glutamine, which is neutral and polar, with arginine, which is basic and polar, at codon 21 of the SPPL2A protein (p.Gln21Arg). This variant is not present in population databases (gnomAD no frequency). This variant has not been reported in the literature in individuals affected with SPPL2A-related conditions. ClinVar contains an entry for this variant (Variation ID: 2992033). An algorithm developed to predict the effect of missense changes on protein structure and function outputs the following: PolyPhen-2: "Benign". The arginine amino acid residue is found in multiple mammalian species, which suggests that this missense change does not adversely affect protein function. In summary, the available evidence is currently insufficient to determine the role of this variant in disease. Therefore, it has been classified as a Variant of Uncertain Significance.

NM_032802.4(SPPL2A):c.62A>G (p.Gln21Arg)

Genes: SPPL2A (signal peptide peptidase like 2A; minus strand), LOC130057047 (ATAC-STARR-seq lymphoblastoid silent region 6430; plus strand). Cytogenetic location: 15q21.2.
Variant type: single nucleotide variant.
Coding change: c.62A>G on transcript NM_032802.4 (MANE Select); coding-DNA position 62, A replaced by G.
Protein change: p.Gln21Arg; replaces glutamine 21 with arginine.
Molecular consequence: missense variant.
Genome position (GRCh38, 1-based): chr15:50,765,472, T>C on the plus strand (A>G on the coding strand, the complement: SPPL2A is on the minus strand). VCF-style: chr15-50765472-T-C. GRCh37 (hg19) VCF-style: chr15-51057669-T-C.
Other names: short protein forms Q21R.
Identifiers: ClinVar variation 2992033 (VCV002992033.3), dbSNP rs2141069582, ClinGen allele CA392462238.